The following is an entry in ClinVar:

NM_001378454.1(ALMS1):c.4198C>T (p.His1400Tyr)

Gene: ALMS1 (ALMS1 centrosome and basal body associated protein; plus strand). Cytogenetic location: 2p13.1.
Variant type: single nucleotide variant.
Coding change: c.4198C>T on transcript NM_001378454.1 (MANE Select); coding-DNA position 4198, C replaced by T.
Protein change: p.His1400Tyr; replaces histidine 1400 with tyrosine.
Molecular consequence: missense variant.
Genome position (GRCh38, 1-based): chr2:73,450,725, C>T. VCF-style: chr2-73450725-C-T. GRCh37 (hg19) VCF-style: chr2-73677852-C-T.
Other names: c.4201C>T, p.His1401Tyr (NM_015120.4); short protein forms H1400Y, H1401Y.
Identifiers: ClinVar variation 3687861 (VCV003687861.2).
Genomic context (GRCh38, chr2:73,450,725, plus strand): 5'-TCTTACTCACAACATACAGAGAAGCCGAGTATTTTCTACCAACAGTCGTTGCCAGGTAGT[C>T]ATCTAACTGAAGAGGCTAAGAACGTTTCAGCGGTTCCTGGACCAGGTGACCGGAAGACTG-3'
Protein context (NP_001365383.1, residues 1390-1410): IFYQQSLPGS[His1400Tyr]LTEEAKNVSA

ClinVar aggregate classification (germline): Uncertain significance (1 of 4 stars; one submission).

Conditions:
Alstrom syndrome (ALMS). Identifiers: Orphanet 64, MedGen C0268425, MONDO:0008763, OMIM 203800.

gnomAD v4.1: 3 of 1,613,278 alleles (0.00019%); highest among the groups gnomAD compares: Non-Finnish European, 0.00025%; no homozygotes.

Submission:

Labcorp Genetics (formerly Invitae), Labcorp
Classification: Uncertain significance for Alstrom syndrome. Last evaluated: 2024-03-26. Review status: criteria provided, single submitter. Criteria: Invitae Variant Classification Sherloc (09022015). Collection method: clinical testing. Allele origin: germline.
Comment: This sequence change replaces histidine, which is basic and polar, with tyrosine, which is neutral and polar, at codon 1401 of the ALMS1 protein (p.His1401Tyr). This variant is present in population databases (rs776934660, gnomAD 0.002%). This variant has not been reported in the literature in individuals affected with ALMS1-related conditions. Algorithms developed to predict the effect of missense changes on protein structure and function output the following: SIFT: "Not Available"; PolyPhen-2: "Not Available"; Align-GVGD: "Not Available". The tyrosine amino acid residue is found in multiple mammalian species, which suggests that this missense change does not adversely affect protein function. In summary, the available evidence is currently insufficient to determine the role of this variant in disease. Therefore, it has been classified as a Variant of Uncertain Significance.